The following is an entry in ClinVar:

NM_005802.5(TOPORS):c.1581C>T (p.Ser527=)

Gene: TOPORS (TOP1 binding arginine/serine rich protein, E3 ubiquitin ligase; minus strand). Cytogenetic location: 9p21.1.
Variant type: single nucleotide variant.
Coding change: c.1581C>T on transcript NM_005802.5 (MANE Select); coding-DNA position 1581, C replaced by T.
Protein change: p.Ser527=; no amino-acid change (serine 527 retained).
Molecular consequence: synonymous variant.
Genome position (GRCh38, 1-based): chr9:32,542,944, G>A on the plus strand (C>T on the coding strand, the complement: TOPORS is on the minus strand). VCF-style: chr9-32542944-G-A. GRCh37 (hg19) VCF-style: chr9-32542942-G-A.
Other names: c.1581C>T (NM_005802.4); c.1386C>T, p.Ser462= (NM_001195622.2).
Identifiers: ClinVar variation 4701693 (VCV004701693.2).

ClinVar aggregate classification (germline): Likely benign. Review status: criteria provided, multiple submitters, no conflicts (2 of 4 stars). 2 submissions from 2 submitters: Likely benign (2). Last evaluated 2026-07-09.

Conditions:
TOPORS-related disorder. Also called: TOPORS-related condition.

Submissions (2):

PreventionGenetics, part of Exact Sciences
Classification: Likely benign for TOPORS-related condition. Last evaluated: 2026-07-09. Review status: criteria provided, single submitter. Criteria: ACMG Guidelines, 2015. Collection method: clinical testing. Allele origin: germline.
Comment: This variant is classified as likely benign based on ACMG/AMP sequence variant interpretation guidelines (Richards et al. 2015 PMID: 25741868, with internal and published modifications).

Labcorp Genetics (formerly Invitae), Labcorp
Classification: Likely benign. Last evaluated: 2025-09-23. Review status: criteria provided, single submitter. Criteria: Invitae Variant Classification Sherloc (09022015). Collection method: clinical testing. Allele origin: germline.